The following is an entry in ClinVar:

NM_001365999.1(SZT2):c.7019del (p.Pro2340fs)

Gene: SZT2 (SZT2 subunit of KICSTOR complex; plus strand). Cytogenetic location: 1p34.2.
Variant type: Deletion.
Coding change: c.7019del on transcript NM_001365999.1 (MANE Select); coding-DNA position 7019, one base deleted (C; older notation c.7019delC).
Protein change: p.Pro2340fs; shifts the reading frame from proline 2340.
Molecular consequence: frameshift variant.
Genome position (GRCh38, 1-based): chr1:43,439,746, C deleted; the last of 3 consecutive C bases (chr1:43,439,744-43,439,746); deleting any one gives the same sequence. VCF-style (leftmost placement, unchanged base first): chr1-43439743-GC-G. GRCh37 (hg19) VCF-style: chr1-43905414-GC-G.
Other names: c.6848del, p.Pro2283fs (NM_015284.4); short protein forms P2340fs, P2283fs.
Identifiers: ClinVar variation 852970 (VCV000852970.1), dbSNP rs1654858951, ClinGen allele CA916082022.
Genomic context (GRCh38, chr1:43,439,743, plus strand): 5'-CGGGGCCCCCAGACCCACTGCGAGAGGAGGAATTTGAGCAACTGACCCAGGTCATCCGCT[GC>G]CCGGTTGTTGTGGACAGTTCTTCAGGTGGGACAGCTTGGTCAGAGGATGAGGTGTTCAGT-3'

ClinVar aggregate classification (germline): Pathogenic (1 of 4 stars; one submission).

Submission:

Labcorp Genetics (formerly Invitae), Labcorp
Classification: Pathogenic. Last evaluated: 2019-03-12. Review status: criteria provided, single submitter. Criteria: Invitae Variant Classification Sherloc (09022015). Collection method: clinical testing. Allele origin: germline.
Comment: This sequence change creates a premature translational stop signal (p.Pro2283Argfs*94) in the SZT2 gene. It is expected to result in an absent or disrupted protein product. This variant is not present in population databases (ExAC no frequency). This variant has not been reported in the literature in individuals with SZT2-related conditions. Loss-of-function variants in SZT2 are known to be pathogenic (PMID: 23932106, 27248490, 28556953). For these reasons, this variant has been classified as Pathogenic.